The following is an entry in ClinVar:

ClinVar aggregate classification (germline): Uncertain significance (1 of 4 stars; one submission).

Allele frequency attached by ClinVar (database versions not stated): ExAC 0.00001; gnomAD exomes 0.00001.
gnomAD v4.1: 3 of 1,613,846 alleles (0.00019%); highest among the groups gnomAD compares: South Asian, 0.0033%; no homozygotes.

Submission:

Ambry Genetics
Classification: Uncertain significance. Last evaluated: 2025-11-05. Review status: criteria provided, single submitter. Criteria: Ambry Variant Classification Scheme 2023. Collection method: clinical testing. Allele origin: germline.
Comment: The p.T151A variant (also known as c.451A>G), located in coding exon 2 of the GALNT12 gene, results from an A to G substitution at nucleotide position 451. The threonine at codon 151 is replaced by alanine, an amino acid with similar properties. This amino acid position is conserved. In addition, the in silico prediction for this alteration is inconclusive. Since supporting evidence is limited at this time, the clinical significance of this alteration remains unclear.

NM_024642.5(GALNT12):c.451A>G (p.Thr151Ala)

Gene: GALNT12 (polypeptide N-acetylgalactosaminyltransferase 12; plus strand). Cytogenetic location: 9q22.33.
Variant type: single nucleotide variant.
Coding change: c.451A>G on transcript NM_024642.5 (MANE Select); coding-DNA position 451, A replaced by G.
Protein change: p.Thr151Ala; replaces threonine 151 with alanine.
Molecular consequence: missense variant.
Genome position (GRCh38, 1-based): chr9:98,823,335, A>G. VCF-style: chr9-98823335-A-G. GRCh37 (hg19) VCF-style: chr9-101585617-A-G.
Other names: short protein forms T151A.
Identifiers: ClinVar variation 1741185 (VCV001741185.3), dbSNP rs781330491, ClinGen allele CA5153943.